The following is an entry in ClinVar:

NM_006231.4(POLE):c.5081T>C (p.Leu1694Pro)

Gene: POLE (DNA polymerase epsilon, catalytic subunit; minus strand). Cytogenetic location: 12q24.33.
Variant type: single nucleotide variant.
Coding change: c.5081T>C on transcript NM_006231.4 (MANE Select); coding-DNA position 5081, T replaced by C.
Protein change: p.Leu1694Pro; replaces leucine 1694 with proline.
Molecular consequence: missense variant.
Genome position (GRCh38, 1-based): chr12:132,642,269, A>G on the plus strand (T>C on the coding strand, the complement: POLE is on the minus strand). VCF-style: chr12-132642269-A-G. GRCh37 (hg19) VCF-style: chr12-133218855-A-G.
Other names: c.5081T>C (NM_006231.2); short protein forms L1694P.
Identifiers: ClinVar variation 540663 (VCV000540663.12), dbSNP rs1555222481, ClinGen allele CA387376996.

ClinVar aggregate classification (germline): Uncertain significance. Review status: criteria provided, multiple submitters, no conflicts (2 of 4 stars). 3 submissions from 3 submitters: Uncertain significance (3). Last evaluated 2026-01-04.

Conditions:
Hereditary cancer-predisposing syndrome. Also called: Neoplastic Syndromes, Hereditary; Hereditary Cancer Syndrome; Hereditary neoplastic syndrome; Tumor predisposition. Identifiers: Orphanet 140162, MedGen C0027672, MeSH D009386, MONDO:0015356.

Submissions (3):

Labcorp Genetics (formerly Invitae), Labcorp
Classification: Uncertain significance. Last evaluated: 2026-01-04. Review status: criteria provided, single submitter. Criteria: Invitae Variant Classification Sherloc (09022015). Collection method: clinical testing. Allele origin: germline.
Comment: This sequence change replaces leucine, which is neutral and non-polar, with proline, which is neutral and non-polar, at codon 1694 of the POLE protein (p.Leu1694Pro). This variant is not present in population databases (gnomAD no frequency). This variant has not been reported in the literature in individuals affected with POLE-related conditions. ClinVar contains an entry for this variant (Variation ID: 540663). Invitae Evidence Modeling of protein sequence and biophysical properties (such as structural, functional, and spatial information, amino acid conservation, physicochemical variation, residue mobility, and thermodynamic stability) has been performed for this missense variant. However, the output from this modeling did not meet the statistical confidence thresholds required to predict the impact of this variant on POLE protein function. In summary, the available evidence is currently insufficient to determine the role of this variant in disease. Therefore, it has been classified as a Variant of Uncertain Significance.

Ambry Genetics
Classification: Uncertain significance for Hereditary cancer-predisposing syndrome. Last evaluated: 2025-03-07. Review status: criteria provided, single submitter. Criteria: Ambry Variant Classification Scheme 2023. Collection method: clinical testing. Allele origin: germline.
Comment: The p.L1694P variant (also known as c.5081T>C), located in coding exon 38 of the POLE gene, results from a T to C substitution at nucleotide position 5081. The leucine at codon 1694 is replaced by proline, an amino acid with similar properties. This amino acid position is highly conserved in available vertebrate species. In addition, this alteration is predicted to be deleterious by in silico analysis. Based on the available evidence, the clinical significance of this variant remains unclear.

GeneDx
Classification: Uncertain significance. Last evaluated: 2023-09-01. Review status: criteria provided, single submitter. Criteria: GeneDx Variant Classification Process June 2021. Collection method: clinical testing. Allele origin: germline. Affected: yes.
Comment: Not observed at significant frequency in large population cohorts (gnomAD); In silico analysis supports that this missense variant has a deleterious effect on protein structure/function; Has not been previously published as pathogenic or benign to our knowledge; This variant is associated with the following publications: (PMID: 29056344)